The following is an entry in ClinVar:

NM_000059.4(BRCA2):c.3503T>C (p.Met1168Thr)

Gene: BRCA2 (BRCA2 DNA repair associated; plus strand). Cytogenetic location: 13q13.1.
Variant type: single nucleotide variant.
Coding change: c.3503T>C on transcript NM_000059.4 (MANE Select); coding-DNA position 3503, T replaced by C.
Protein change: p.Met1168Thr; replaces methionine 1168 with threonine.
Molecular consequence: missense variant.
Genome position (GRCh38, 1-based): chr13:32,337,858, T>C. VCF-style: chr13-32337858-T-C. GRCh37 (hg19) VCF-style: chr13-32911995-T-C.
Other names: short protein forms M1168T.
Identifiers: ClinVar variation 462294 (VCV000462294.26), dbSNP rs80358598, ClinGen allele CA387776957.

ClinVar aggregate classification (germline): Conflicting classifications of pathogenicity. Review status: criteria provided, conflicting classifications (1 of 4 stars). 8 submissions from 8 submitters: Uncertain significance (6); Likely benign (2). Last evaluated 2025-09-24.

Conditions:
Hereditary cancer-predisposing syndrome. Also called: Neoplastic Syndromes, Hereditary; Tumor predisposition; Hereditary neoplastic syndrome; Hereditary Cancer Syndrome. Identifiers: Orphanet 140162, MedGen C0027672, MeSH D009386, MONDO:0015356.
Hereditary breast ovarian cancer syndrome. Also called: Hereditary breast and ovarian cancer; Hereditary breast and ovarian cancer syndrome (HBOC); Hereditary breast and/or ovarian cancer syndrome; BRCA1- and BRCA2-Associated Hereditary Breast and Ovarian Cancer; Breast and ovarian cancer; Hereditary breast and ovarian cancer syndrome. Identifiers: Orphanet 145, MedGen C0677776, MeSH D061325, MONDO:0003582. Disease mechanism: loss of function.
Breast-ovarian cancer, familial, susceptibility to, 2 (BROVCA2). Also called: BRCA2 Hereditary Breast and Ovarian Cancer. Identifiers: Orphanet 145, MedGen C2675520, MONDO:0012933, OMIM 612555. Disease mechanism: loss of function.
Familial cancer of breast. Also called: BREAST CANCER, FAMILIAL; Hereditary breast cancer; hereditary breast carcinoma. Identifiers: Orphanet 227535, MedGen C0346153, MONDO:0016419, OMIM 114480. Disease mechanism: loss of function.

Submissions (8):

Labcorp Genetics (formerly Invitae), Labcorp
Classification: Uncertain significance for Hereditary breast ovarian cancer syndrome. Last evaluated: 2025-09-24. Review status: criteria provided, single submitter. Criteria: Invitae Variant Classification Sherloc (09022015). Collection method: clinical testing. Allele origin: germline.
Comment: This sequence change replaces methionine, which is neutral and non-polar, with threonine, which is neutral and polar, at codon 1168 of the BRCA2 protein (p.Met1168Thr). This variant is present in population databases (no rsID available, gnomAD 0.003%). This missense change has been observed in individual(s) with the family history of breast cancer (PMID: 16826315, 25556971). This variant is also known as 3731T>C. ClinVar contains an entry for this variant (Variation ID: 462294). Invitae Evidence Modeling of protein sequence and biophysical properties (such as structural, functional, and spatial information, amino acid conservation, physicochemical variation, residue mobility, and thermodynamic stability) indicates that this missense variant is not expected to disrupt BRCA2 protein function with a negative predictive value of 95%. In summary, the available evidence is currently insufficient to determine the role of this variant in disease. Therefore, it has been classified as a Variant of Uncertain Significance.

Ambry Genetics
Classification: Uncertain significance for Hereditary cancer-predisposing syndrome. Last evaluated: 2025-08-12. Review status: criteria provided, single submitter. Criteria: Ambry Variant Classification Scheme 2023. Collection method: clinical testing. Allele origin: germline.
Comment: The p.M1168T variant (also known as c.3503T>C), located in coding exon 10 of the BRCA2 gene, results from a T to C substitution at nucleotide position 3503. The methionine at codon 1168 is replaced by threonine, an amino acid with similar properties. This alteration has been identified in individuals diagnosed with breast and/or ovarian cancer (Peixoto A et al. Fam. Cancer. 2006 Jul;5:379-87; Trujillano D et al. J Mol Diagn. 2015 Mar;17:162-70; Boga I et al. Eur J Breast Health, 2023 Jul;19:235-252). This amino acid position is poorly conserved in available vertebrate species. In addition, this alteration is predicted to be tolerated by in silico analysis. Since supporting evidence is limited at this time, the clinical significance of this alteration remains unclear.

Dasa
Classification: Uncertain significance for Breast-ovarian cancer, familial, susceptibility to, 2. Last evaluated: 2025-06-06. Review status: criteria provided, single submitter. Criteria: DASA Assertion Criteria. Collection method: clinical testing. Allele origin: germline.
Comment: NM_000059.4(BRCA2):c.3503T>C (p.Met1168Thr) is a missense variant that results in the substitution of methionine with threonine. This variant is rare in population databases. The currently available literature and clinical evidence are not sufficient to establish a definitive association between this variant and the reported condition. Therefore, this variant is classified as a variant of uncertain significance.

MGZ Medical Genetics Center
Classification: Likely benign for Familial cancer of breast. Last evaluated: 2024-02-09. Review status: criteria provided, single submitter. Criteria: CSpec BRCA1/2ACMG Rules Specifications V1.1.0. Collection method: clinical testing. Allele origin: germline. Affected: yes.
Comment: ACMG codes applied following ENIGMA VCEP rules: BP1_STR, BP5_SUP

All of Us Research Program, National Institutes of Health
Classification: Uncertain significance for Breast-ovarian cancer, familial, susceptibility to, 2. Last evaluated: 2023-05-16. Review status: criteria provided, single submitter. Criteria: ACMG Guidelines, 2015. Collection method: clinical testing. Allele origin: germline. Inheritance: Autosomal dominant inheritance. Observed: 1 variant allele, 1 heterozygote.
Comment: This missense variant replaces methionine with threonine at codon 1168 of the BRCA2 protein. Computational prediction is inconclusive regarding the impact of this variant on protein structure and function (internally defined REVEL score threshold 0.5 < inconclusive < 0.7, PMID: 27666373). To our knowledge, functional studies have not been reported for this variant. This variant has been reported in a family with a history of breast and/or ovarian cancer (PMID: 16826315). This variant has been identified in 1/250868 chromosomes in the general population by the Genome Aggregation Database (gnomAD). The available evidence is insufficient to determine the role of this variant in disease conclusively. Therefore, this variant is classified as a Variant of Uncertain Significance.

This study involves interpretation of variants in research participants for the purpose of population health screening. Participant phenotype was not available at the time of variant classification. Additional details can be found in publication PMID: 35346344, PMCID: PMC8962531

Color Diagnostics, LLC DBA Color Health
Classification: Uncertain significance for Hereditary cancer-predisposing syndrome. Last evaluated: 2023-05-01. Review status: criteria provided, single submitter. Criteria: ACMG Guidelines, 2015. Collection method: clinical testing. Allele origin: germline.
Comment: This missense variant replaces methionine with threonine at codon 1168 of the BRCA2 protein. Computational prediction is inconclusive regarding the impact of this variant on protein structure and function (internally defined REVEL score threshold 0.5 < inconclusive < 0.7, PMID: 27666373). To our knowledge, functional studies have not been reported for this variant. This variant has been reported in a family with a history of breast and/or ovarian cancer (PMID: 16826315). This variant has been identified in 1/250868 chromosomes in the general population by the Genome Aggregation Database (gnomAD). The available evidence is insufficient to determine the role of this variant in disease conclusively. Therefore, this variant is classified as a Variant of Uncertain Significance.

University of Washington Department of Laboratory Medicine, University of Washington
Classification: Likely benign for Hereditary cancer-predisposing syndrome. Last evaluated: 2023-03-23. Review status: criteria provided, single submitter. Criteria: Dines et al. (Genet Med. 2020). Collection method: curation. Allele origin: germline.
Comment: Missense variant in a coldspot region where missense variants are very unlikely to be pathogenic (PMID:31911673).

BRCA2 exon 11 coldspot. Reclassification based on statistical prior probability.

Quest Diagnostics Nichols Institute San Juan Capistrano
Classification: Uncertain significance. Last evaluated: 2021-06-09. Review status: criteria provided, single submitter. Criteria: Quest Diagnostics criteria. Collection method: clinical testing. Allele origin: unknown.

Literature cited by the submitters: PubMed 16826315 (cited by 5 submitters); PubMed 25556971 (cited by 3 submitters); PubMed 37415649 (cited by Ambry Genetics).